The following is an entry in ClinVar:

ClinVar aggregate classification (germline): Uncertain significance. Review status: criteria provided, multiple submitters, no conflicts (2 of 4 stars). 2 submissions from 2 submitters: Uncertain significance (2). Last evaluated 2023-11-27.

Allele frequency attached by ClinVar (database versions not stated): gnomAD exomes 0.00001.
gnomAD v4.1: 5 of 907,868 alleles (0.00055%); highest among the groups gnomAD compares: East Asian, 0.012%; no homozygotes.

Submissions (2):

GeneDx
Classification: Uncertain significance. Last evaluated: 2023-11-27. Review status: criteria provided, single submitter. Criteria: GeneDx Variant Classification Process June 2021. Collection method: clinical testing. Allele origin: germline. Affected: yes.
Comment: Not observed at significant frequency in large population cohorts (gnomAD); In silico analysis supports that this missense variant does not alter protein structure/function; Has not been previously published as pathogenic or benign to our knowledge

Labcorp Genetics (formerly Invitae), Labcorp
Classification: Uncertain significance. Last evaluated: 2021-08-02. Review status: criteria provided, single submitter. Criteria: Invitae Variant Classification Sherloc (09022015). Collection method: clinical testing. Allele origin: germline.
Comment: Advanced modeling of protein sequence and biophysical properties (such as structural, functional, and spatial information, amino acid conservation, physicochemical variation, residue mobility, and thermodynamic stability) performed at Invitae indicates that this missense variant is not expected to disrupt KCNC3 protein function. In summary, the available evidence is currently insufficient to determine the role of this variant in disease. Therefore, it has been classified as a Variant of Uncertain Significance. This variant has not been reported in the literature in individuals affected with KCNC3-related conditions. The frequency data for this variant in the population databases is considered unreliable, as metrics indicate insufficient coverage at this position in the ExAC database. This sequence change replaces proline with leucine at codon 58 of the KCNC3 protein (p.Pro58Leu). The proline residue is weakly conserved and there is a moderate physicochemical difference between proline and leucine.

NM_004977.3(KCNC3):c.173C>T (p.Pro58Leu)

Gene: KCNC3 (potassium voltage-gated channel subfamily C member 3; minus strand). Cytogenetic location: 19q13.33.
Variant type: single nucleotide variant.
Coding change: c.173C>T on transcript NM_004977.3 (MANE Select); coding-DNA position 173, C replaced by T.
Protein change: p.Pro58Leu; replaces proline 58 with leucine.
Molecular consequence: missense variant. On other transcripts: 5 prime UTR variant (1).
Genome position (GRCh38, 1-based): chr19:50,328,910, G>A on the plus strand (C>T on the coding strand, the complement: KCNC3 is on the minus strand). VCF-style: chr19-50328910-G-A. GRCh37 (hg19) VCF-style: chr19-50832167-G-A.
Other names: c.-56C>T (NM_001372305.1); c.173C>T (NM_004977.2); short protein forms P58L.
Identifiers: ClinVar variation 1517239 (VCV001517239.9), dbSNP rs2123547321, ClinGen allele CA406956491.